The following is an entry in ClinVar:

ClinVar aggregate classification (germline): Uncertain significance (1 of 4 stars; one submission).

Submission:

GeneDx
Classification: Uncertain significance. Last evaluated: 2023-02-20. Review status: criteria provided, single submitter. Criteria: GeneDx Variant Classification Process June 2021. Collection method: clinical testing. Allele origin: germline. Affected: yes.
Comment: Not observed at significant frequency in large population cohorts (gnomAD); In silico analysis supports that this missense variant does not alter protein structure/function; Has not been previously published as pathogenic or benign to our knowledge

NM_133433.4(NIPBL):c.2650G>C (p.Gly884Arg)

Gene: NIPBL (NIPBL cohesin loading factor; plus strand). Cytogenetic location: 5p13.2.
Variant type: single nucleotide variant.
Coding change: c.2650G>C on transcript NM_133433.4 (MANE Select); coding-DNA position 2650, G replaced by C.
Protein change: p.Gly884Arg; replaces glycine 884 with arginine.
Molecular consequence: missense variant.
Genome position (GRCh38, 1-based): chr5:36,985,830, G>C. VCF-style: chr5-36985830-G-C. GRCh37 (hg19) VCF-style: chr5-36985932-G-C.
Other names: c.2650G>C, p.Gly884Arg (NM_015384.5); short protein forms G884R.
Identifiers: ClinVar variation 2576646 (VCV002576646.1), dbSNP rs2477935822, ClinGen allele CA359503690.